The following is an entry in ClinVar:

ClinVar aggregate classification (germline): Uncertain significance (1 of 4 stars; one submission).

Submission:

Labcorp Genetics (formerly Invitae), Labcorp
Classification: Uncertain significance. Last evaluated: 2022-07-13. Review status: criteria provided, single submitter. Criteria: Invitae Variant Classification Sherloc (09022015). Collection method: clinical testing. Allele origin: germline.
Comment: In summary, the available evidence is currently insufficient to determine the role of this variant in disease. Therefore, it has been classified as a Variant of Uncertain Significance. Advanced modeling of protein sequence and biophysical properties (such as structural, functional, and spatial information, amino acid conservation, physicochemical variation, residue mobility, and thermodynamic stability) performed at Invitae indicates that this missense variant is expected to disrupt TWNK protein function. This variant has not been reported in the literature in individuals affected with TWNK-related conditions. This variant is not present in population databases (gnomAD no frequency). This sequence change replaces histidine, which is basic and polar, with tyrosine, which is neutral and polar, at codon 489 of the TWNK protein (p.His489Tyr).

NM_021830.5(TWNK):c.1465C>T (p.His489Tyr)

Gene: TWNK (twinkle mtDNA helicase; plus strand). Cytogenetic location: 10q24.31.
Variant type: single nucleotide variant.
Coding change: c.1465C>T on transcript NM_021830.5 (MANE Select); coding-DNA position 1465, C replaced by T.
Protein change: p.His489Tyr; replaces histidine 489 with tyrosine.
Molecular consequence: missense variant. On other transcripts: non-coding transcript variant (5).
Genome position (GRCh38, 1-based): chr10:100,989,865, C>T. VCF-style: chr10-100989865-C-T. GRCh37 (hg19) VCF-style: chr10-102749622-C-T.
Other names: c.1465C>T, p.His489Tyr (NM_001163812.2); c.103C>T, p.His35Tyr (NM_001163813.2, NM_001163814.2, NM_001368275.1); short protein forms H489Y, H35Y.
Identifiers: ClinVar variation 2012569 (VCV002012569.4), dbSNP rs2493637251, ClinGen allele CA378210970.